The following is an entry in ClinVar:

ClinVar aggregate classification (germline): Uncertain significance (1 of 4 stars; one submission).

Allele frequency attached by ClinVar (database versions not stated): gnomAD exomes below 0.00001; ExAC 0.00001; gnomAD 0.00002; TOPMed 0.00002.
gnomAD v4.1: 4 of 1,607,282 alleles (0.00025%); highest among the groups gnomAD compares: African/African-American, 0.0053%; no homozygotes.

Submission:

Labcorp Genetics (formerly Invitae), Labcorp
Classification: Uncertain significance. Last evaluated: 2022-12-15. Review status: criteria provided, single submitter. Criteria: Invitae Variant Classification Sherloc (09022015). Collection method: clinical testing. Allele origin: germline.
Comment: Variants that disrupt the consensus splice site are a relatively common cause of aberrant splicing (PMID: 17576681, 9536098). Algorithms developed to predict the effect of sequence changes on RNA splicing suggest that this variant is not likely to affect RNA splicing. In summary, the available evidence is currently insufficient to determine the role of this variant in disease. Therefore, it has been classified as a Variant of Uncertain Significance. This variant has not been reported in the literature in individuals affected with CLCN6-related conditions. This sequence change falls in intron 21 of the CLCN6 gene. It does not directly change the encoded amino acid sequence of the CLCN6 protein. It affects a nucleotide within the consensus splice site. This variant is present in population databases (rs753247770, gnomAD 0.01%).

Literature cited by the submitters: PubMed 17576681; PubMed 9536098.

NM_001286.5(CLCN6):c.2404-3C>T

Gene: CLCN6 (chloride voltage-gated channel 6; plus strand). Cytogenetic location: 1p36.22.
Variant type: single nucleotide variant.
Coding change: c.2404-3C>T on transcript NM_001286.5 (MANE Select); 3 bases into the intron before coding-DNA position 2404, C replaced by T.
Molecular consequence: intron variant.
Genome position (GRCh38, 1-based): chr1:11,838,532, C>T. VCF-style: chr1-11838532-C-T. GRCh37 (hg19) VCF-style: chr1-11898589-C-T.
Other names: c.2338-3C>T (NM_001256959.2).
Identifiers: ClinVar variation 2999796 (VCV002999796.3), dbSNP rs753247770, ClinGen allele CA596847.
Genomic context (GRCh38, chr1:11,838,532, plus strand): 5'-GCGGAGCTGCCTCTTCATGCCGTTGGCGTCTCAGGCAGTCAGTGACACGTGGTCTCTTTG[C>T]AGGATGTCACCCCATACATGAACCCTTCGCCTTTCACCGTCTCGCCCAACACCCACGTCT-3'